The following is an entry in ClinVar:

ClinVar aggregate classification (germline): Likely benign. Review status: criteria provided, multiple submitters, no conflicts (2 of 4 stars). 2 submissions from 2 submitters: Likely benign (2). Last evaluated 2023-08-23.

Allele frequency attached by ClinVar (database versions not stated): ExAC 0.00002; gnomAD 0.00002; TOPMed 0.00005; 1000 Genomes Project 0.00040; 1000 Genomes Project 30x 0.00047.
gnomAD v4.1: 7 of 1,602,234 alleles (0.00044%); highest among the groups gnomAD compares: Admixed American, 0.0084%; no homozygotes.

Submissions (2):

Women's Health and Genetics/Laboratory Corporation of America, LabCorp
Classification: Likely benign. Last evaluated: 2023-08-23. Review status: criteria provided, single submitter. Criteria: LabCorp Variant Classification Summary - May 2015. Collection method: clinical testing. Allele origin: germline.
Comment: Variant summary: P2RX2 c.309+11C>T alters a non-conserved nucleotide located at a position not widely known to affect splicing. 4/4 computational tools predict no significant impact on normal splicing. However, these predictions have yet to be confirmed by functional studies. The variant allele was found at a frequency of 1.3e-05 in 235110 control chromosomes (gnomAD). The available data on variant occurrences in the general population are insufficient to allow any conclusion about variant significance. To our knowledge, no occurrence of c.309+11C>T in individuals affected with Autosomal Dominant Nonsyndromic Hearing Loss 41 and no experimental evidence demonstrating its impact on protein function have been reported. No submitters have cited clinical-significance assessments for this variant to ClinVar after 2014. Based on the evidence outlined above, the variant was classified as likely benign.

Labcorp Genetics (formerly Invitae), Labcorp
Classification: Likely benign. Last evaluated: 2023-05-23. Review status: criteria provided, single submitter. Criteria: Invitae Variant Classification Sherloc (09022015). Collection method: clinical testing. Allele origin: germline.

NM_170682.4(P2RX2):c.309+11C>T

Gene: P2RX2 (purinergic receptor P2X 2; plus strand). Cytogenetic location: 12q24.33.
Variant type: single nucleotide variant.
Coding change: c.309+11C>T on transcript NM_170682.4 (MANE Select); 11 bases into the intron after coding-DNA position 309, C replaced by T.
Molecular consequence: intron variant.
Genome position (GRCh38, 1-based): chr12:132,619,585, C>T. VCF-style: chr12-132619585-C-T. GRCh37 (hg19) VCF-style: chr12-133196171-C-T.
Other names: c.309+11C>T (NM_001282165.2, NM_170683.4, NM_174873.3 and 2 more transcripts); c.241+11C>T (NM_012226.5); c.106-259C>T (NM_174872.3).
Identifiers: ClinVar variation 2581323 (VCV002581323.4), dbSNP rs575241082, ClinGen allele CA6891415.